The following is an entry in ClinVar:

NM_002204.4(ITGA3):c.2692del (p.Ser898fs)

Gene: ITGA3 (integrin subunit alpha 3; plus strand). Cytogenetic location: 17q21.33.
Variant type: Deletion.
Coding change: c.2692del on transcript NM_002204.4 (MANE Select); coding-DNA position 2692, one base deleted (T; older notation c.2692delT).
Protein change: p.Ser898fs; shifts the reading frame from serine 898.
Molecular consequence: frameshift variant.
Genome position (GRCh38, 1-based): chr17:50,079,543, T deleted. VCF-style (leftmost placement, unchanged base first): chr17-50079542-GT-G. GRCh37 (hg19) VCF-style: chr17-48156906-GT-G.
Other names: short protein forms S898fs.
Identifiers: ClinVar variation 3349940 (VCV003349940.1).

ClinVar aggregate classification (germline): Likely pathogenic (0 of 4 stars; one submission).

Conditions:
ITGA3-related disorder. Also called: ITGA3-related condition.

Submission:

PreventionGenetics, part of Exact Sciences
Classification: Likely pathogenic for ITGA3-related condition. Last evaluated: 2024-04-03. Review status: no assertion criteria provided. Collection method: clinical testing. Allele origin: germline.
Comment: The ITGA3 c.2692delT variant is predicted to result in a frameshift and premature protein termination (p.Ser898Leufs*5). To our knowledge, this variant has not been reported in the literature. This variant is reported in 0.056% of alleles in individuals of East Asian descent in gnomAD. Frameshift variants in ITGA3 are expected to be pathogenic. This variant is interpreted as likely pathogenic.